The following is an entry in ClinVar:

NM_001943.5(DSG2):c.2381A>G (p.Asp794Gly)

Genes: DSG2 (desmoglein 2; plus strand), DSG2-AS1 (DSG2 antisense RNA 1; minus strand). Cytogenetic location: 18q12.1.
Variant type: single nucleotide variant.
Coding change: c.2381A>G on transcript NM_001943.5 (MANE Select); coding-DNA position 2381, A replaced by G.
Protein change: p.Asp794Gly; replaces aspartic acid 794 with glycine.
Molecular consequence: missense variant. On other transcripts: non-coding transcript variant (1).
Genome position (GRCh38, 1-based): chr18:31,545,767, A>G. VCF-style: chr18-31545767-A-G. GRCh37 (hg19) VCF-style: chr18-29125730-A-G.
Other names: short protein forms D794G.
Identifiers: ClinVar variation 3637551 (VCV003637551.2).

ClinVar aggregate classification (germline): Uncertain significance (1 of 4 stars; one submission).

Conditions:
Arrhythmogenic right ventricular dysplasia 10. Also called: Arrhythmogenic Right Ventricular Dysplasia/Cardiomyopathy10; Arrhythmogenic right ventricular dysplasia/cardiomyopathy, type 10; ARRHYTHMOGENIC RIGHT VENTRICULAR DYSPLASIA, FAMILIAL, 10. Identifiers: MedGen C1857777, MONDO:0012434, OMIM 610193.

Submission:

Labcorp Genetics (formerly Invitae), Labcorp
Classification: Uncertain significance for Arrhythmogenic right ventricular dysplasia 10. Last evaluated: 2024-05-09. Review status: criteria provided, single submitter. Criteria: Invitae Variant Classification Sherloc (09022015). Collection method: clinical testing. Allele origin: germline.
Comment: This sequence change replaces aspartic acid, which is acidic and polar, with glycine, which is neutral and non-polar, at codon 794 of the DSG2 protein (p.Asp794Gly). This variant is not present in population databases (gnomAD no frequency). This variant has not been reported in the literature in individuals affected with DSG2-related conditions. Advanced modeling of protein sequence and biophysical properties (such as structural, functional, and spatial information, amino acid conservation, physicochemical variation, residue mobility, and thermodynamic stability) has been performed at Invitae for this missense variant, however the output from this modeling did not meet the statistical confidence thresholds required to predict the impact of this variant on DSG2 protein function. In summary, the available evidence is currently insufficient to determine the role of this variant in disease. Therefore, it has been classified as a Variant of Uncertain Significance.